The following is an entry in ClinVar:

ClinVar aggregate classification (germline): Uncertain significance (1 of 4 stars; one submission).

Conditions:
Familial meningioma. Also called: Meningioma, familial, susceptibility to. Identifiers: Orphanet 263662, MedGen C3551915, MONDO:0011789, OMIM 607174.

Submission:

Labcorp Genetics (formerly Invitae), Labcorp
Classification: Uncertain significance for Familial meningioma. Last evaluated: 2023-11-01. Review status: criteria provided, single submitter. Criteria: Invitae Variant Classification Sherloc (09022015). Collection method: clinical testing. Allele origin: germline.
Comment: This sequence change falls in intron 7 of the SMARCE1 gene. It does not directly change the encoded amino acid sequence of the SMARCE1 protein. This variant is not present in population databases (gnomAD no frequency). This variant has not been reported in the literature in individuals affected with SMARCE1-related conditions. Algorithms developed to predict the effect of sequence changes on RNA splicing suggest that this variant may create or strengthen a splice site. In summary, the available evidence is currently insufficient to determine the role of this variant in disease. Therefore, it has been classified as a Variant of Uncertain Significance.

NM_003079.5(SMARCE1):c.541+17G>A

Gene: SMARCE1 (SWI/SNF related BAF chromatin remodeling complex subunit E1; minus strand). Cytogenetic location: 17q21.2.
Variant type: single nucleotide variant.
Coding change: c.541+17G>A on transcript NM_003079.5 (MANE Select); 17 bases into the intron after coding-DNA position 541, G replaced by A.
Molecular consequence: intron variant.
Genome position (GRCh38, 1-based): chr17:40,635,914, C>T on the plus strand (G>A on the coding strand, the complement: SMARCE1 is on the minus strand). VCF-style: chr17-40635914-C-T. GRCh37 (hg19) VCF-style: chr17-38792166-C-T.
Identifiers: ClinVar variation 2776513 (VCV002776513.3), dbSNP rs2143995869, ClinGen allele CA2576261997.